The following is an entry in ClinVar:

ClinVar aggregate classification (germline): Uncertain significance (1 of 4 stars; one submission).

Conditions:
Combined deficiency of sialidase AND beta galactosidase (GSL). Also called: GOLDBERG SYNDROME; NEURAMINIDASE DEFICIENCY WITH BETA-GALACTOSIDASE DEFICIENCY; NEURAMINIDASE/BETA-GALACTOSIDASE EXPRESSION; PPCA DEFICIENCY; PROTECTIVE PROTEIN/CATHEPSIN A DEFICIENCY; Galactosialidosis. Identifiers: Orphanet 351, MedGen C0268233, MONDO:0009737, OMIM 256540.

Allele frequency attached by ClinVar (database versions not stated): gnomAD exomes 0.00001.
gnomAD v4.1: 8 of 1,613,992 alleles (0.0005%); highest among the groups gnomAD compares: Non-Finnish European, 0.00068%; no homozygotes.

Submission:

Labcorp Genetics (formerly Invitae), Labcorp
Classification: Uncertain significance for Combined deficiency of sialidase AND beta galactosidase. Last evaluated: 2023-11-27. Review status: criteria provided, single submitter. Criteria: Invitae Variant Classification Sherloc (09022015). Collection method: clinical testing. Allele origin: germline.
Comment: This sequence change falls in intron 6 of the CTSA gene. It does not directly change the encoded amino acid sequence of the CTSA protein. It affects a nucleotide within the consensus splice site. This variant is present in population databases (no rsID available, gnomAD 0.002%). This variant has not been reported in the literature in individuals affected with CTSA-related conditions. ClinVar contains an entry for this variant (Variation ID: 1489327). Variants that disrupt the consensus splice site are a relatively common cause of aberrant splicing (PMID: 17576681, 9536098). Algorithms developed to predict the effect of sequence changes on RNA splicing suggest that this variant is not likely to affect RNA splicing. In summary, the available evidence is currently insufficient to determine the role of this variant in disease. Therefore, it has been classified as a Variant of Uncertain Significance.

Literature cited by the submitters: PubMed 17576681; PubMed 9536098.

NM_000308.4(CTSA):c.600+3G>A

Gene: CTSA (cathepsin A; plus strand). Cytogenetic location: 20q13.12.
Variant type: single nucleotide variant.
Coding change: c.600+3G>A on transcript NM_000308.4 (MANE Select); 3 bases into the intron after coding-DNA position 600, G replaced by A.
Molecular consequence: intron variant. On other transcripts: non-coding transcript variant (1).
Genome position (GRCh38, 1-based): chr20:45,892,883, G>A. VCF-style: chr20-45892883-G-A. GRCh37 (hg19) VCF-style: chr20-44521522-G-A.
Other names: c.600+3G>A (NM_001127695.3); c.549+3G>A (NM_001167594.3).
Identifiers: ClinVar variation 1489327 (VCV001489327.6), dbSNP rs1175825927, ClinGen allele CA510638308.